The following is an entry in ClinVar:

NM_006440.5(TXNRD2):c.79C>T (p.Arg27Trp)

Genes: TXNRD2 (thioredoxin reductase 2; minus strand), LOC130066960 (ATAC-STARR-seq lymphoblastoid silent region 13467; plus strand). Cytogenetic location: 22q11.21.
Variant type: single nucleotide variant.
Coding change: c.79C>T on transcript NM_006440.5 (MANE Select); coding-DNA position 79, C replaced by T.
Protein change: p.Arg27Trp; replaces arginine 27 with tryptophan.
Molecular consequence: missense variant. On other transcripts: non-coding transcript variant (1).
Genome position (GRCh38, 1-based): chr22:19,941,725, G>A on the plus strand (C>T on the coding strand, the complement: TXNRD2 is on the minus strand). VCF-style: chr22-19941725-G-A. GRCh37 (hg19) VCF-style: chr22-19929248-G-A.
Other names: c.79C>T, p.Arg27Trp (NM_001282512.3, NM_001352300.2); short protein forms R27W.
Identifiers: ClinVar variation 4615393 (VCV004615393.1).

ClinVar aggregate classification (germline): Uncertain significance (1 of 4 stars; one submission).

Conditions:
Cardiovascular phenotype. Identifiers: MedGen CN230736.

gnomAD v4.1: 2 of 1,486,492 alleles (0.00013%); highest among the groups gnomAD compares: Admixed American, 0.0022%; no homozygotes.

Submission:

Ambry Genetics
Classification: Uncertain significance for Cardiovascular phenotype. Last evaluated: 2025-10-29. Review status: criteria provided, single submitter. Criteria: Ambry Variant Classification Scheme 2023. Collection method: clinical testing. Allele origin: germline.
Comment: The p.R27W variant (also known as c.79C>T), located in coding exon 1 of the TXNRD2 gene, results from a C to T substitution at nucleotide position 79. The arginine at codon 27 is replaced by tryptophan, an amino acid with dissimilar properties. This amino acid position is conserved. In addition, this alteration is predicted to be tolerated by in silico analysis. Based on the available evidence, the clinical significance of this variant remains unclear.